The following is an entry in ClinVar:

ClinVar aggregate classification (germline): Uncertain significance (1 of 4 stars; one submission).

gnomAD v4.1: 12 of 1,613,982 alleles (0.00074%); highest among the groups gnomAD compares: African/African-American, 0.0013%; no homozygotes.

Submission:

Labcorp Genetics (formerly Invitae), Labcorp
Classification: Uncertain significance. Last evaluated: 2026-01-18. Review status: criteria provided, single submitter. Criteria: Invitae Variant Classification Sherloc (09022015). Collection method: clinical testing. Allele origin: germline.
Comment: This sequence change replaces lysine, which is basic and polar, with arginine, which is basic and polar, at codon 575 of the PLG protein (p.Lys575Arg). This variant is present in population databases (rs775543829, gnomAD 0.004%). This variant has not been reported in the literature in individuals affected with PLG-related conditions. ClinVar contains an entry for this variant (Variation ID: 3698177). Invitae Evidence Modeling of protein sequence and biophysical properties (such as structural, functional, and spatial information, amino acid conservation, physicochemical variation, residue mobility, and thermodynamic stability) indicates that this missense variant is not expected to disrupt PLG protein function with a negative predictive value of 80%. In summary, the available evidence is currently insufficient to determine the role of this variant in disease. Therefore, it has been classified as a Variant of Uncertain Significance.

NM_000301.5(PLG):c.1724A>G (p.Lys575Arg)

Gene: PLG (plasminogen; plus strand). Cytogenetic location: 6q26.
Variant type: single nucleotide variant.
Coding change: c.1724A>G on transcript NM_000301.5 (MANE Select); coding-DNA position 1724, A replaced by G.
Protein change: p.Lys575Arg; replaces lysine 575 with arginine.
Molecular consequence: missense variant.
Genome position (GRCh38, 1-based): chr6:160,736,929, A>G. VCF-style: chr6-160736929-A-G. GRCh37 (hg19) VCF-style: chr6-161157961-A-G.
Other names: short protein forms K575R.
Identifiers: ClinVar variation 3698177 (VCV003698177.2).